The following is an entry in ClinVar:

NM_003239.5(TGFB3):c.647-168C>A

Gene: TGFB3 (transforming growth factor beta 3; minus strand). Cytogenetic location: 14q24.3.
Variant type: single nucleotide variant.
Coding change: c.647-168C>A on transcript NM_003239.5 (MANE Select); 168 bases into the intron before coding-DNA position 647, C replaced by A.
Molecular consequence: intron variant.
Genome position (GRCh38, 1-based): chr14:75,965,863, G>T on the plus strand (C>A on the coding strand, the complement: TGFB3 is on the minus strand). VCF-style: chr14-75965863-G-T. GRCh37 (hg19) VCF-style: chr14-76432206-G-T.
Other names: c.647-168C>A (NM_001329939.2, NM_001329938.2).
Identifiers: ClinVar variation 4852743 (VCV004852743.2).

ClinVar aggregate classification (germline): Likely benign (1 of 4 stars; one submission).

gnomAD v4.1: 3,786 of 669,306 alleles (0.57%); highest among the groups gnomAD compares: Non-Finnish European, 0.88%; 20 homozygotes.

Submission:

Dasa
Classification: Likely benign. Last evaluated: 2025-12-12. Review status: criteria provided, single submitter. Criteria: DASA Assertion Criteria. Collection method: clinical testing. Allele origin: germline.
Comment: NM_003239.5(TGFB3):c.647-168C>A is an intronic variant. Population frequency is inconsistent with a disease-causing role for this variant, and the variant context is inconsistent with a known disease-causing mechanism. Therefore, based on the currently available evidence, this variant is classified as likely benign.